The following is an entry in ClinVar:

ClinVar aggregate classification (germline): Benign/Likely benign. Review status: criteria provided, multiple submitters, no conflicts (2 of 4 stars). 3 submissions from 3 submitters: Benign (1); Likely benign (2). Last evaluated 2025-11-18.

Conditions:
Hereditary cancer-predisposing syndrome. Also called: Tumor predisposition; Hereditary neoplastic syndrome; Neoplastic Syndromes, Hereditary; Hereditary Cancer Syndrome. Identifiers: Orphanet 140162, MedGen C0027672, MeSH D009386, MONDO:0015356.
Prostate cancer, hereditary, 9 (HPC9). Identifiers: Orphanet 1331, MedGen C1970250, MONDO:0012597, OMIM 610997.

Allele frequency attached by ClinVar (database versions not stated): TOPMed below 0.00001.

Submissions (3):

Labcorp Genetics (formerly Invitae), Labcorp
Classification: Likely benign. Last evaluated: 2025-11-18. Review status: criteria provided, single submitter. Criteria: Invitae Variant Classification Sherloc (09022015). Collection method: clinical testing. Allele origin: germline.

Myriad Genetics, Inc.
Classification: Benign for Prostate cancer, hereditary, 9. Last evaluated: 2024-10-28. Review status: criteria provided, single submitter. Criteria: Myriad Autosomal Dominant, Autosomal Recessive and X-Linked Classification Criteria (2023). Collection method: clinical testing. Allele origin: unknown.
Comment: This variant is considered benign. This variant is a silent/synonymous amino acid change and it is not expected to impact splicing.

Ambry Genetics
Classification: Likely benign for Hereditary cancer-predisposing syndrome. Last evaluated: 2019-06-05. Review status: criteria provided, single submitter. Criteria: Ambry Variant Classification Scheme 2023. Collection method: clinical testing. Allele origin: germline.

NM_006361.6(HOXB13):c.12C>A (p.Gly4=)

Gene: HOXB13 (homeobox B13; minus strand). Cytogenetic location: 17q21.32.
Variant type: single nucleotide variant.
Coding change: c.12C>A on transcript NM_006361.6 (MANE Select); coding-DNA position 12, C replaced by A.
Protein change: p.Gly4=; no amino-acid change (glycine 4 retained).
Molecular consequence: synonymous variant.
Genome position (GRCh38, 1-based): chr17:48,728,582, G>T on the plus strand (C>A on the coding strand, the complement: HOXB13 is on the minus strand). VCF-style: chr17-48728582-G-T. GRCh37 (hg19) VCF-style: chr17-46805944-G-T.
Identifiers: ClinVar variation 818844 (VCV000818844.8), dbSNP rs1597935395, ClinGen allele CA500503453.